The following is an entry in ClinVar:

NM_000262.3(NAGA):c.606C>A (p.Tyr202Ter)

Gene: NAGA (alpha-N-acetylgalactosaminidase; minus strand). Cytogenetic location: 22q13.2.
Variant type: single nucleotide variant.
Coding change: c.606C>A on transcript NM_000262.3 (MANE Select); coding-DNA position 606, C replaced by A.
Protein change: p.Tyr202Ter; replaces tyrosine 202 with a stop codon.
Molecular consequence: nonsense.
Genome position (GRCh38, 1-based): chr22:42,065,891, G>T on the plus strand (C>A on the coding strand, the complement: NAGA is on the minus strand). VCF-style: chr22-42065891-G-T. GRCh37 (hg19) VCF-style: chr22-42461895-G-T.
Other names: c.606C>A, p.Tyr202Ter (NM_001362848.1, NM_001362850.1); short protein forms Y202*.
Identifiers: ClinVar variation 212736 (VCV000212736.3), dbSNP rs779423223, ClinGen allele CA090903.

ClinVar aggregate classification (germline): Pathogenic/Likely pathogenic. Review status: criteria provided, multiple submitters, no conflicts (2 of 4 stars). 3 submissions from 3 submitters: Pathogenic (1); Likely pathogenic (1). 1 of the submissions does not count toward it. Last evaluated 2025-01-30.

Conditions:
Alpha-N-acetylgalactosaminidase deficiency. Identifiers: Orphanet 3137, MedGen C5848084, MONDO:0017779.
Alpha-N-acetylgalactosaminidase deficiency type 2. Also called: ALPHA-N-ACETYLGALACTOSAMINIDASE DEFICIENCY, TYPE II; SCHINDLER DISEASE, TYPE II; NAGA DEFICIENCY, TYPE II. Identifiers: Orphanet 3137, Orphanet 79280, MedGen C1836522, MONDO:0012222, OMIM 609242.
Alpha-N-acetylgalactosaminidase deficiency type 1. Also called: SCHINDLER DISEASE, TYPE I; ALPHA-N-ACETYLGALACTOSAMINIDASE DEFICIENCY, TYPE I; NAGA DEFICIENCY, TYPE I; NEUROAXONAL DYSTROPHY, SCHINDLER TYPE. Identifiers: Orphanet 3137, Orphanet 79279, Orphanet 79281, MedGen C1836544, MONDO:0012221, OMIM 609241.

Allele frequency attached by ClinVar (database versions not stated): ExAC 0.00001.

Submissions (3):

Myriad Genetics, Inc.
Classification: Pathogenic for Alpha-N-acetylgalactosaminidase deficiency. Last evaluated: 2025-01-30. Review status: criteria provided, single submitter. Criteria: Myriad Autosomal Dominant, Autosomal Recessive and X-Linked Classification Criteria (2023). Collection method: clinical testing. Allele origin: unknown.
Comment: NM_000262.2(NAGA):c.606C>A(Y202*) is expected to be pathogenic in the context of NAGA-related disorders. This variant is predicted to lead to an abnormal or absent protein product due to the creation of a premature termination codon in NAGA, a gene where loss-of-function variants are known to be pathogenic. Please note: this variant was assessed in the context of healthy population screening.

Fulgent Genetics
Classification: Likely pathogenic for Alpha-N-acetylgalactosaminidase deficiency type 1; Alpha-N-acetylgalactosaminidase deficiency type 2. Last evaluated: 2021-11-05. Review status: criteria provided, single submitter. Criteria: ACMG Guidelines, 2015. Collection method: clinical testing. Allele origin: unknown.

Knight Diagnostic Laboratories, Oregon Health and Sciences University
Classification: Likely pathogenic for Schindler disease, type 1. Last evaluated: 2014-05-13. Review status: no assertion criteria provided. Criteria: ACMG Guidelines, 2007. Collection method: clinical testing. Allele origin: germline. Inheritance: Autosomal recessive inheritance. Affected: no. Not counted in ClinVar's aggregate classification.